The following is an entry in ClinVar:

NM_000540.3(RYR1):c.13673G>A (p.Arg4558Gln)

Gene: RYR1 (ryanodine receptor 1; plus strand). Cytogenetic location: 19q13.2.
Variant type: single nucleotide variant.
Coding change: c.13673G>A on transcript NM_000540.3 (MANE Select); coding-DNA position 13673, G replaced by A.
Protein change: p.Arg4558Gln; replaces arginine 4558 with glutamine.
Molecular consequence: missense variant.
Genome position (GRCh38, 1-based): chr19:38,570,620, G>A. VCF-style: chr19-38570620-G-A. GRCh37 (hg19) VCF-style: chr19-39061260-G-A.
Other names: NM_000540.3(RYR1):c.13673G>A; c.13673G>A (NM_000540.2); c.13658G>A, p.Arg4553Gln (NM_001042723.2); short protein forms R4558Q, R4553Q.
Identifiers: ClinVar variation 65984 (VCV000065984.41), dbSNP rs118192130, ClinGen allele CA024065.
Genomic context (GRCh38, chr19:38,570,620, plus strand): 5'-AGAGGCTGATCTGTGAGCGCTTTCTCTCTTTTTCTCTTCTCTCTCAGAACTACCTGTCCC[G>A]GAACTTTTACACCCTGCGGTTCCTTGCCCTCTTCTTGGCATTTGCCATCAACTTCATCTT-3'
Protein context (NP_000531.2, residues 4548-4568): QRVKFLNYLS[Arg4558Gln]NFYTLRFLAL

ClinVar aggregate classification (germline): Uncertain significance. Review status: reviewed by expert panel (3 of 4 stars). 17 submissions from 17 submitters: Uncertain significance (1). 16 of the submissions do not count toward it. Last evaluated 2025-08-01.

Conditions:
Centronuclear myopathy (CNM). Also called: Myotubular myopathy; Centronuclear myopathy, congenital. Identifiers: Orphanet 595, MedGen C0175709, MONDO:0018947. Inheritance: All.
King Denborough syndrome (KDS). Identifiers: MedGen C1840365, MONDO:0020485, OMIM 619542.
Central core myopathy (CMYO1A). Also called: CONGENITAL MYOPATHY 1A, AUTOSOMAL DOMINANT, WITH SUSCEPTIBILITY TO MALIGNANT HYPERTHERMIA; Central core disease; Myopathy, central fibrillar. Identifiers: Orphanet 597, MedGen C5830701, MONDO:0007294, OMIM 117000.
Congenital multicore myopathy with external ophthalmoplegia (CMYO1B). Also called: MULTICORE MYOPATHY; Minicore myopathy with external ophthalmoplegia; MULTIMINICORE DISEASE WITH EXTERNAL OPHTHALMOPLEGIA; Congenital myopathy 1B, autosomal recessive; Minicore myopathy. Identifiers: Orphanet 598, Orphanet 98905, MedGen C1850674, MONDO:0009712, OMIM 255320, HP:0003789.
RYR1-related disorder. Also called: RYR1-related disorders; RYR1-related condition. Identifiers: MedGen CN239331.
Malignant hyperthermia, susceptibility to, 1 (MHS1). Also called: Anesthesia related hyperthermia; Malignant hyperpyrexia; Fulminating hyperpyrexia; Pharmacogenic myopathy; RYR1-Related Malignant Hyperthermia Susceptibility; Malignant hyperthermia suceptibility 1. Identifiers: Orphanet 423, MedGen C2930980, MONDO:0007783, OMIM 145600.

Allele frequency attached by ClinVar (database versions not stated): TOPMed below 0.00001; gnomAD 0.00001; ExAC 0.00002; gnomAD exomes 0.00004; ESP Exome Variant Server 0.00008; 1000 Genomes Project 0.00020; 1000 Genomes Project 30x 0.00031.
gnomAD v4.1: 58 of 1,613,898 alleles (0.0036%); highest among the groups gnomAD compares: Middle Eastern, 0.017%; no homozygotes.

Submissions 1 to 6 of 17:

ClinGen Malignant Hyperthermia Susceptibility Variant Curation Expert Panel, ClinGen
Classification: Uncertain significance for Malignant hyperthermia, susceptibility to, 1. Last evaluated: 2025-08-01. Review status: reviewed by expert panel. Criteria: ClinGen MHS ACMG Specifications V2. Collection method: curation. Allele origin: germline. Inheritance: Autosomal dominant inheritance. Study: ClinGen.
Comment: This pathogenicity assessment is relevant only for malignant hyperthermia susceptibility (MHS) inherited in an autosomal dominant pattern. Variants in RYR1 can also cause other myopathies inherited in an autosomal dominant pattern or in an autosomal recessive pattern. Some of these disorders may predispose individuals to malignant hyperthermia. RYR1 variants may also contribute to a malignant hyperthermia reaction in combination with other genetic and non-genetic factors and the clinician needs to consider such factors in making management decisions. This sequence variant predicts a substitution of Arginine with Glutamine at codon 4558 of the RYR1 protein, p.(Arg4558Gln). The maximum allele frequency for this variant among the six major gnomAD populations is EAS: 0.0001, a frequency consistent with pathogenicity for MHS. This variant has been reported in individuals with a personal or family history of congenital myopathy. No functional studies were identified for this variant. This variant does not reside in a hotspot for pathogenic variants that contribute to MHS. A REVEL score >0.85 (0.957) supports a pathogenic status for this variant, PP3_Moderate. This variant has been classified as a Variant of Unknown Significance. Criteria implemented: PP3_Moderate.

GeneDx
Classification: Likely pathogenic. Last evaluated: 2025-10-23. Review status: criteria provided, single submitter. Criteria: GeneDx Variant Classification Process June 2021. Collection method: clinical testing. Allele origin: germline. Affected: yes. Not counted in ClinVar's aggregate classification.
Comment: Not observed at significant frequency in large population cohorts (gnomAD); In silico analysis supports that this missense variant has a deleterious effect on protein structure/function; This variant is associated with the following publications: (PMID: 26332594, 25637381, 18253926, 25747005, 35627144, 33458582, 35548885, 17226826)

Labcorp Genetics (formerly Invitae), Labcorp
Classification: Pathogenic for RYR1-related disorder. Last evaluated: 2025-07-09. Review status: criteria provided, single submitter. Criteria: Invitae Variant Classification Sherloc (09022015). Collection method: clinical testing. Allele origin: germline. Not counted in ClinVar's aggregate classification.
Comment: This sequence change replaces arginine, which is basic and polar, with glutamine, which is neutral and polar, at codon 4558 of the RYR1 protein (p.Arg4558Gln). The frequency data for this variant in the population databases is considered unreliable, as metrics indicate poor data quality at this position in the gnomAD database. This missense change has been observed in individual(s) with autosomal recessive central core disease (PMID: 17226826, 18253926, 25747005). In at least one individual the data is consistent with being in trans (on the opposite chromosome) from a pathogenic variant. It has also been observed to segregate with disease in related individuals. ClinVar contains an entry for this variant (Variation ID: 65984). Invitae Evidence Modeling of protein sequence and biophysical properties (such as structural, functional, and spatial information, amino acid conservation, physicochemical variation, residue mobility, and thermodynamic stability) has been performed for this missense variant. However, the output from this modeling did not meet the statistical confidence thresholds required to predict the impact of this variant on RYR1 protein function. This variant disrupts the p.Arg4558 amino acid residue in RYR1. Other variant(s) that disrupt this residue have been determined to be pathogenic (PMID: 17226826, 18253926, 25747005). This suggests that this residue is clinically significant, and that variants that disrupt this residue are likely to be disease-causing. For these reasons, this variant has been classified as Pathogenic.

All of Us Research Program, National Institutes of Health
Classification: Uncertain significance for Malignant hyperthermia, susceptibility to, 1. Last evaluated: 2024-08-06. Review status: criteria provided, single submitter. Criteria: ACMG Guidelines, 2015. Collection method: clinical testing. Allele origin: germline. Inheritance: Autosomal dominant inheritance. Observed: 8 variant alleles, 8 heterozygotes. Not counted in ClinVar's aggregate classification.
Comment: This missense variant replaces arginine with glutamine at codon 4558 of the RYR1 protein. Computational prediction suggests that this variant may have deleterious impact on protein structure and function (internally defined REVEL score threshold >= 0.7, PMID: 27666373). To our knowledge, functional studies have not been reported for this variant. This variant has not been reported in individuals affected with autosomal dominant malignant hyperthermia in the literature, although this variant is associated with other phenotypes (ClinVar Variation ID: 65984). This variant has been identified in 10/282878 chromosomes in the general population by the Genome Aggregation Database (gnomAD). Due to insufficient evidence, this variant is classified as a Variant of Uncertain Significance for autosomal dominant malignant hyperthermia.

This study involves interpretation of variants in research participants for the purpose of population health screening. Participant phenotype was not available at the time of variant classification. Additional details can be found in publication PMID: 35346344, PMCID: PMC8962531

Color Diagnostics, LLC DBA Color Health
Classification: Uncertain significance for Malignant hyperthermia, susceptibility to, 1. Last evaluated: 2024-04-18. Review status: criteria provided, single submitter. Criteria: ACMG Guidelines, 2015. Collection method: clinical testing. Allele origin: germline. Not counted in ClinVar's aggregate classification.
Comment: This missense variant replaces arginine with glutamine at codon 4558 of the RYR1 protein. Computational prediction suggests that this variant may have deleterious impact on protein structure and function. To our knowledge, functional studies have not been reported for this variant. This variant has not been reported in individuals affected with autosomal dominant malignant hyperthermia in the literature, although this variant is associated with other phenotypes (ClinVar Variation ID: 65984). This variant has been identified in 10/282878 chromosomes in the general population by the Genome Aggregation Database (gnomAD). Due to insufficient evidence, this variant is classified as a Variant of Uncertain Significance for autosomal dominant malignant hyperthermia.

Revvity Omics, Revvity
Classification: Likely pathogenic. Last evaluated: 2024-03-22. Review status: criteria provided, single submitter. Criteria: ACMG Guidelines, 2015. Collection method: clinical testing. Allele origin: germline. Not counted in ClinVar's aggregate classification.